The following is an entry in ClinVar:

ClinVar aggregate classification (germline): Benign/Likely benign. Review status: criteria provided, multiple submitters, no conflicts (2 of 4 stars). 12 submissions from 12 submitters: Benign (6); Likely benign (2). 4 of the submissions do not count toward it. Last evaluated 2026-02-02.

Conditions:
Vascular parkinsonism. Identifiers: MedGen C0393568, MONDO:0956980.
Parkinsonian disorder. Also called: Parkinsonism. Identifiers: MedGen C0242422, MONDO:0021095, HP:0001300.
Parkinson disease (PD). Identifiers: MedGen C0030567, MeSH D010300, MONDO:0005180.
Autosomal dominant Parkinson disease 8. Also called: LRRK2-Related Parkinson Disease; Parkinson disease 8; Parkinson disease 8, susceptibility to. Identifiers: Orphanet 411602, MedGen C1846862, MONDO:0011764, OMIM 607060.

Allele frequency attached by ClinVar (database versions not stated): 1000 Genomes Project 30x 0.00937; 1000 Genomes Project 0.00978; gnomAD 0.01276; TOPMed 0.01302; ESP Exome Variant Server 0.01353.
gnomAD v4.1: 27,079 of 1,612,916 alleles (1.7%); highest among the groups gnomAD compares: Middle Eastern, 7.9%; 379 homozygotes.

Submissions (12):

Labcorp Genetics (formerly Invitae), Labcorp
Classification: Benign for Autosomal dominant Parkinson disease 8. Last evaluated: 2026-02-02. Review status: criteria provided, single submitter. Criteria: Invitae Variant Classification Sherloc (09022015). Collection method: clinical testing. Allele origin: germline.

The Egyptian Network for Neurodegenerative Diseases (ENND), The American University in Cairo
Classification: Likely benign for Vascular parkinsonism; Parkinsonian disorder; Parkinson disease. Last evaluated: 2024-10-01. Review status: criteria provided, single submitter. Criteria: ACMG Guidelines, 2015. Collection method: research. Allele origin: germline. Affected: yes.
Comment: This variant (MAF 0.00978435 in 1000Genomes /0.0108 in gnomAD) is currently classified as likely benign variant based on ACMG criteria. same variant was previously linked to increased PD risk with functionally validated increased LRRK2 activation and enhanced Rab10 phosphorylation. The mutation disrupts the hydrophilic interactions between kinase and LRR domains causing an increase in LRRK2 activity (PMID:35950872). Variant falls within the kinase domain and is an eQTL for LRRK2 expression in brain tissue according to GTEx. The CADD score is 23.5, supporting potential deleteriousness.

Mayo Clinic Laboratories, Mayo Clinic
Classification: Benign. Last evaluated: 2023-03-09. Review status: criteria provided, single submitter. Criteria: ACMG Guidelines, 2015. Collection method: clinical testing. Allele origin: germline. Observed: 42 variant alleles.
Comment: BA1, BP4

Fulgent Genetics
Classification: Likely benign for Autosomal dominant Parkinson disease 8. Last evaluated: 2021-08-09. Review status: criteria provided, single submitter. Criteria: ACMG Guidelines, 2015. Collection method: clinical testing. Allele origin: unknown.

GeneDx
Classification: Benign. Last evaluated: 2019-10-16. Review status: criteria provided, single submitter. Criteria: GeneDx Variant Classification Process June 2021. Collection method: clinical testing. Allele origin: germline. Affected: yes.
Comment: This variant is associated with the following publications: (PMID: 32677286, 29795570, 29321258, 25378673)

Illumina Laboratory Services, Illumina
Classification: Benign for Autosomal dominant Parkinson disease 8. Last evaluated: 2018-01-13. Review status: criteria provided, single submitter. Criteria: ICSL Variant Classification Criteria 13 December 2019. Collection method: clinical testing. Allele origin: germline.
Comment: This variant was observed in the ICSL laboratory as part of a predisposition screen in an ostensibly healthy population. It had not been previously curated by ICSL or reported in the Human Gene Mutation Database (HGMD: prior to June 1st, 2018), and was therefore a candidate for classification through an automated scoring system. Utilizing variant allele frequency, disease prevalence and penetrance estimates, and inheritance mode, an automated score was calculated to assess if this variant is too frequent to cause the disease. Based on the score and internal cut-off values, a variant classified as benign is not then subjected to further curation. The score for this variant resulted in a classification of benign for this disease.

Athena Diagnostics
Classification: Benign. Last evaluated: 2017-09-13. Review status: criteria provided, single submitter. Criteria: Athena Diagnostics Criteria. Collection method: clinical testing. Allele origin: germline.

Breakthrough Genomics
Classification: Benign. Review status: criteria provided, single submitter. Criteria: ACMG Guidelines, 2015. Collection method: not provided. Allele origin: germline. Inheritance: Autosomal dominant inheritance. Affected: yes.

Clinical Genetics DNA and cytogenetics Diagnostics Lab, Erasmus MC, Erasmus Medical Center
Classification: Benign. Review status: no assertion criteria provided. Collection method: clinical testing. Allele origin: germline. Affected: yes. Study: VKGL Data-share Consensus. Not counted in ClinVar's aggregate classification.

GeneReviews
No classification provided. Condition: Autosomal dominant Parkinson disease 8. Review status: no classification provided. Collection method: literature only. Allele origin: unknown. Not counted in ClinVar's aggregate classification.

Genome Diagnostics Laboratory, Amsterdam University Medical Center
Classification: Benign. Review status: no assertion criteria provided. Collection method: clinical testing. Allele origin: germline. Affected: yes. Study: VKGL Data-share Consensus. Not counted in ClinVar's aggregate classification.

Genome Diagnostics Laboratory, University Medical Center Utrecht
Classification: Benign. Review status: no assertion criteria provided. Collection method: clinical testing. Allele origin: germline. Affected: yes. Study: VKGL Data-share Consensus. Not counted in ClinVar's aggregate classification.

Literature cited by the submitters: PubMed 40786864 (cited by The Egyptian Network for Neurodegenerative Diseases (ENND), The American University in Cairo); PubMed 35950872 (cited by The Egyptian Network for Neurodegenerative Diseases (ENND), The American University in Cairo); PubMed 25378673 (cited by Athena Diagnostics); PubMed 22415848 (cited by Athena Diagnostics); PubMed 20443975 (cited by Athena Diagnostics); PubMed 17622782 (cited by Athena Diagnostics); PubMed 15541309 (cited by Athena Diagnostics); PubMed 16333314 (cited by Athena Diagnostics); PubMed 20301387 (cited by GeneReviews); NCBI Bookshelf NBK1208 (cited by GeneReviews).

NM_198578.4(LRRK2):c.6241A>G (p.Asn2081Asp)

Gene: LRRK2 (leucine rich repeat kinase 2; plus strand). Cytogenetic location: 12q12.
Variant type: single nucleotide variant.
Coding change: c.6241A>G on transcript NM_198578.4 (MANE Select); coding-DNA position 6241, A replaced by G.
Protein change: p.Asn2081Asp; replaces asparagine 2081 with aspartic acid.
Molecular consequence: missense variant.
Genome position (GRCh38, 1-based): chr12:40,346,884, A>G. VCF-style: chr12-40346884-A-G. GRCh37 (hg19) VCF-style: chr12-40740686-A-G.
Other names: short protein forms N2081D.
Identifiers: ClinVar variation 39221 (VCV000039221.25), dbSNP rs33995883, ClinGen allele CA343651.
Genomic context (GRCh38, chr12:40,346,884, plus strand): 5'-TTACTACTCTATGACATTTTGACAACTGGAGGTAGAATAGTAGAGGGTTTGAAGTTTCCA[A>G]ATGAGTTTGATGAATTAGAAATACAAGGAAAATTACCTGGTAAGTTCTGTTTTCTCTACA-3'
Protein context (NP_940980.4, residues 2071-2091): GRIVEGLKFP[Asn2081Asp]EFDELEIQGK